The following is an entry in ClinVar:

ClinVar aggregate classification (germline): Pathogenic/Likely pathogenic. Review status: criteria provided, multiple submitters, no conflicts (2 of 4 stars). 2 submissions from 2 submitters: Pathogenic (1); Likely pathogenic (1). Last evaluated 2025-04-16.

Conditions:
CABP4-related disorder. Also called: CABP4-related condition.

Allele frequency attached by ClinVar (database versions not stated): gnomAD exomes 0.00001; TOPMed 0.00003; ESP Exome Variant Server 0.00008.
gnomAD v4.1: 17 of 1,613,530 alleles (0.0011%); highest among the groups gnomAD compares: Admixed American, 0.0033%; no homozygotes.

Submissions (2):

Labcorp Genetics (formerly Invitae), Labcorp
Classification: Pathogenic. Last evaluated: 2025-04-16. Review status: criteria provided, single submitter. Criteria: Invitae Variant Classification Sherloc (09022015). Collection method: clinical testing. Allele origin: germline.
Comment: This sequence change replaces leucine, which is neutral and non-polar, with proline, which is neutral and non-polar, at codon 231 of the CABP4 protein (p.Leu231Pro). This variant is not present in population databases (gnomAD no frequency). This missense change has been observed in individual(s) with clinical features of cone-rod synaptic disorder (internal data). In at least one individual the data is consistent with being in trans (on the opposite chromosome) from a pathogenic variant. ClinVar contains an entry for this variant (Variation ID: 1007462). Invitae Evidence Modeling of protein sequence and biophysical properties (such as structural, functional, and spatial information, amino acid conservation, physicochemical variation, residue mobility, and thermodynamic stability) indicates that this missense variant is expected to disrupt CABP4 protein function with a positive predictive value of 80%. For these reasons, this variant has been classified as Pathogenic.

Blueprint Genetics
Classification: Likely pathogenic for CABP4-related disorders. Last evaluated: 2024-04-16. Review status: criteria provided, single submitter. Criteria: ACMG Guidelines, 2015. Collection method: clinical testing. Allele origin: germline. Affected: yes. Observed: 5 variant alleles.

NM_145200.5(CABP4):c.692T>C (p.Leu231Pro)

Gene: CABP4 (calcium binding protein 4; plus strand). Cytogenetic location: 11q13.2.
Variant type: single nucleotide variant.
Coding change: c.692T>C on transcript NM_145200.5 (MANE Select); coding-DNA position 692, T replaced by C.
Protein change: p.Leu231Pro; replaces leucine 231 with proline.
Molecular consequence: missense variant. On other transcripts: non-coding transcript variant (1).
Genome position (GRCh38, 1-based): chr11:67,458,411, T>C. VCF-style: chr11-67458411-T-C. GRCh37 (hg19) VCF-style: chr11-67225882-T-C.
Other names: c.377T>C, p.Leu126Pro (NM_001300895.3, NM_001300896.3, NM_001379183.1); short protein forms L126P, L231P.
Identifiers: ClinVar variation 1007462 (VCV001007462.9), dbSNP rs373308879, ClinGen allele CA224144439.